The following is an entry in ClinVar:

ClinVar aggregate classification (germline): Uncertain significance (1 of 4 stars; one submission).

Conditions:
Hereditary pancreatitis (PCTT). Also called: Hereditary chronic pancreatitis; PRSS1-Related Hereditary Pancreatitis. Identifiers: Orphanet 676, MedGen C0238339, MONDO:0008185, OMIM 167800.

Allele frequency attached by ClinVar (database versions not stated): gnomAD exomes below 0.00001; TOPMed below 0.00001; gnomAD 0.00001.
gnomAD v4.1: 4 of 1,613,970 alleles (0.00025%); highest among the groups gnomAD compares: Non-Finnish European, 0.00034%; no homozygotes.

Submission:

Ambry Genetics
Classification: Uncertain significance for Hereditary pancreatitis. Last evaluated: 2021-02-18. Review status: criteria provided, single submitter. Criteria: Ambry Variant Classification Scheme 2023. Collection method: clinical testing. Allele origin: germline.
Comment: The p.Y350C variant (also known as c.1049A>G), located in coding exon 9 of the CPA1 gene, results from an A to G substitution at nucleotide position 1049. The tyrosine at codon 350 is replaced by cysteine, an amino acid with highly dissimilar properties. This amino acid position is highly conserved in available vertebrate species. In addition, the in silico prediction for this alteration is inconclusive. Since supporting evidence is limited at this time, the clinical significance of this alteration remains unclear.

NM_001868.4(CPA1):c.1049A>G (p.Tyr350Cys)

Gene: CPA1 (carboxypeptidase A1; plus strand). Cytogenetic location: 7q32.2.
Variant type: single nucleotide variant.
Coding change: c.1049A>G on transcript NM_001868.4 (MANE Select); coding-DNA position 1049, A replaced by G.
Protein change: p.Tyr350Cys; replaces tyrosine 350 with cysteine.
Molecular consequence: missense variant.
Genome position (GRCh38, 1-based): chr7:130,385,900, A>G. VCF-style: chr7-130385900-A-G. GRCh37 (hg19) VCF-style: chr7-130025741-A-G.
Other names: short protein forms Y350C.
Identifiers: ClinVar variation 1776301 (VCV001776301.2), dbSNP rs1490781663, ClinGen allele CA369284101.